The following is an entry in ClinVar:

NM_020806.5(GPHN):c.1473-1G>A

Gene: GPHN (gephyrin; plus strand). Cytogenetic location: 14q23.3.
Variant type: single nucleotide variant.
Coding change: c.1473-1G>A on transcript NM_020806.5 (MANE Select); the canonical splice acceptor site of the intron before coding-DNA position 1473, G replaced by A.
Molecular consequence: splice acceptor variant.
Genome position (GRCh38, 1-based): chr14:67,113,017, G>A. VCF-style: chr14-67113017-G-A. GRCh37 (hg19) VCF-style: chr14-67579734-G-A.
Other names: c.1533-1G>A (NM_001377514.1); c.1413-1G>A (NM_001377519.1); c.1503-1G>A (NM_001377515.1); c.1494-1G>A (NM_001377516.1); c.1431-1G>A (NM_001377518.1); c.1446-1G>A (NM_001377517.1); c.1374-1G>A (NM_001024218.2).
Identifiers: ClinVar variation 2855588 (VCV002855588.3), dbSNP rs2543402445, ClinGen allele CA390258431.

ClinVar aggregate classification (germline): Likely pathogenic (1 of 4 stars; one submission).

Conditions:
Sulfite oxidase deficiency due to molybdenum cofactor deficiency type C. Also called: Molybdenum cofactor deficiency, complementation group C; Molybdenum cofactor deficiency C. Identifiers: Orphanet 308400, Orphanet 833, MedGen C1854990, MONDO:0014212, OMIM 615501.

Submission:

Labcorp Genetics (formerly Invitae), Labcorp
Classification: Likely pathogenic for Sulfite oxidase deficiency due to molybdenum cofactor deficiency type C. Last evaluated: 2023-04-12. Review status: criteria provided, single submitter. Criteria: Invitae Variant Classification Sherloc (09022015). Collection method: clinical testing. Allele origin: germline.
Comment: This variant has not been reported in the literature in individuals affected with GPHN-related conditions. This variant is not present in population databases (gnomAD no frequency). This sequence change affects an acceptor splice site in intron 15 of the GPHN gene. It is expected to disrupt RNA splicing. Variants that disrupt the donor or acceptor splice site typically lead to a loss of protein function (PMID: 16199547), and loss-of-function variants in GPHN are known to be pathogenic (PMID: 11095995, 23184456, 23393157). In summary, the currently available evidence indicates that the variant is pathogenic, but additional data are needed to prove that conclusively. Therefore, this variant has been classified as Likely Pathogenic. Algorithms developed to predict the effect of sequence changes on RNA splicing suggest that this variant may disrupt the consensus splice site.

Literature cited by the submitters: PubMed 16199547; PubMed 11095995; PubMed 23184456; PubMed 23393157.